The following is an entry in ClinVar:

NM_000143.4(FH):c.112C>T (p.Pro38Ser)

Gene: FH (fumarate hydratase; minus strand). Cytogenetic location: 1q43.
Variant type: single nucleotide variant.
Coding change: c.112C>T on transcript NM_000143.4 (MANE Select); coding-DNA position 112, C replaced by T.
Protein change: p.Pro38Ser; replaces proline 38 with serine.
Molecular consequence: missense variant.
Genome position (GRCh38, 1-based): chr1:241,519,611, G>A on the plus strand (C>T on the coding strand, the complement: FH is on the minus strand). VCF-style: chr1-241519611-G-A. GRCh37 (hg19) VCF-style: chr1-241682911-G-A.
Other names: short protein forms P38S.
Identifiers: ClinVar variation 1969786 (VCV001969786.5), dbSNP rs2147926866, ClinGen allele CA345442663.

ClinVar aggregate classification (germline): Uncertain significance (1 of 4 stars; one submission).

Submission:

Labcorp Genetics (formerly Invitae), Labcorp
Classification: Uncertain significance. Last evaluated: 2021-12-24. Review status: criteria provided, single submitter. Criteria: Invitae Variant Classification Sherloc (09022015). Collection method: clinical testing. Allele origin: germline.
Comment: This variant has not been reported in the literature in individuals affected with FH-related conditions. This sequence change replaces proline, which is neutral and non-polar, with serine, which is neutral and polar, at codon 38 of the FH protein (p.Pro38Ser). This variant is not present in population databases (gnomAD no frequency). Advanced modeling of protein sequence and biophysical properties (such as structural, functional, and spatial information, amino acid conservation, physicochemical variation, residue mobility, and thermodynamic stability) performed at Invitae indicates that this missense variant is not expected to disrupt FH protein function. In summary, the available evidence is currently insufficient to determine the role of this variant in disease. Therefore, it has been classified as a Variant of Uncertain Significance.